The following is an entry in ClinVar:

NM_020376.4(PNPLA2):c.1204G>A (p.Val402Ile)

Gene: PNPLA2 (patatin like domain 2, triacylglycerol lipase; plus strand). Cytogenetic location: 11p15.5.
Variant type: single nucleotide variant.
Coding change: c.1204G>A on transcript NM_020376.4 (MANE Select); coding-DNA position 1204, G replaced by A.
Protein change: p.Val402Ile; replaces valine 402 with isoleucine.
Molecular consequence: missense variant.
Genome position (GRCh38, 1-based): chr11:824,551, G>A. VCF-style: chr11-824551-G-A. GRCh37 (hg19) VCF-style: chr11-824551-G-A.
Other names: short protein forms V402I.
Identifiers: ClinVar variation 1710033 (VCV001710033.2), dbSNP rs143718036, ClinGen allele CA216972063.

ClinVar aggregate classification (germline): Uncertain significance (1 of 4 stars; one submission).

Conditions:
Neutral lipid storage myopathy (NLSDM). Also called: NEUTRAL LIPID STORAGE DISEASE WITHOUT ICHTHYOSIS. Identifiers: Orphanet 98908, MedGen C1853136, MONDO:0012545, OMIM 610717.

Submission:

MGZ Medical Genetics Center
Classification: Uncertain significance for Neutral lipid storage myopathy. Last evaluated: 2022-05-25. Review status: criteria provided, single submitter. Criteria: ACMG Guidelines, 2015. Collection method: clinical testing. Allele origin: germline. Affected: yes. Observed: 1 variant allele.
Comment: ACMG criteria applied: PS3_SUP, PM2_SUP, BP4